The following is an entry in ClinVar:

ClinVar aggregate classification (germline): Uncertain significance (1 of 4 stars; one submission).

Conditions:
Dilated cardiomyopathy 1O (CMD1O). Also called: CARDIOMYOPATHY, DILATED, WITH VENTRICULAR TACHYCARDIA. Identifiers: Orphanet 154, MedGen C1837839, MONDO:0012062, OMIM 608569.

Submission:

Labcorp Genetics (formerly Invitae), Labcorp
Classification: Uncertain significance for Dilated cardiomyopathy 1O. Last evaluated: 2023-03-18. Review status: criteria provided, single submitter. Criteria: Invitae Variant Classification Sherloc (09022015). Collection method: clinical testing. Allele origin: germline.
Comment: In summary, the available evidence is currently insufficient to determine the role of this variant in disease. Therefore, it has been classified as a Variant of Uncertain Significance. Advanced modeling of protein sequence and biophysical properties (such as structural, functional, and spatial information, amino acid conservation, physicochemical variation, residue mobility, and thermodynamic stability) performed at Invitae indicates that this missense variant is expected to disrupt ABCC9 protein function. This variant has not been reported in the literature in individuals affected with ABCC9-related conditions. This variant is not present in population databases (gnomAD no frequency). This sequence change replaces arginine, which is basic and polar, with lysine, which is basic and polar, at codon 214 of the ABCC9 protein (p.Arg214Lys).

NM_020297.4(ABCC9):c.641G>A (p.Arg214Lys)

Gene: ABCC9 (ATP binding cassette subfamily C member 9; minus strand). Cytogenetic location: 12p12.1.
Variant type: single nucleotide variant.
Coding change: c.641G>A on transcript NM_020297.4 (MANE Select); coding-DNA position 641, G replaced by A.
Protein change: p.Arg214Lys; replaces arginine 214 with lysine.
Molecular consequence: missense variant. On other transcripts: intron variant (1).
Genome position (GRCh38, 1-based): chr12:21,915,843, C>T on the plus strand (G>A on the coding strand, the complement: ABCC9 is on the minus strand). VCF-style: chr12-21915843-C-T. GRCh37 (hg19) VCF-style: chr12-22068777-C-T.
Other names: c.641G>A, p.Arg214Lys (NM_001377273.1, NM_005691.4); c.-48-2777G>A (NM_001377274.1); short protein forms R214K.
Identifiers: ClinVar variation 2847014 (VCV002847014.3), dbSNP rs2541736783, ClinGen allele CA384124586.